The following is an entry in ClinVar:

ClinVar aggregate classification (germline): Uncertain significance (0 of 4 stars; one submission).

Conditions:
Angelman syndrome (AS). Also called: HAPPY PUPPET SYNDROME. Identifiers: Orphanet 72, MedGen C0162635, MONDO:0007113, OMIM 105830. Disease mechanism: loss of function. Inheritance: AS is caused by disruption of maternally imprinted UBE3A located within the 15q11.2-q13 Angelman syndrome/Prader-Willi syndrome (AS/PWS) region., imprinting disorder.

Allele frequency attached by ClinVar (database versions not stated): gnomAD exomes 0.00005 and 0.00010; ExAC 0.00013; 1000 Genomes Project 0.00040; 1000 Genomes Project 30x 0.00047; gnomAD 0.00057 and 0.00064; TOPMed 0.00075.
gnomAD v4.1: 166 of 1,611,224 alleles (0.01%); highest among the groups gnomAD compares: African/African-American, 0.2%; no homozygotes.

Submission:

Baylor Genetics
Classification: Uncertain significance for Angelman syndrome. Last evaluated: 2014-02-14. Review status: no assertion criteria provided. Collection method: clinical testing. Allele origin: maternal. Affected: yes. Observed: 2 variant alleles. Study: UBE3A Mutation Study.
Comment: possible diagnosis of Angelman syndrome

Data collected from clinical UBE3A sequence analysis results

Literature cited by the submitters: PubMed 25212744.

NM_130839.5(UBE3A):c.2281-42T>C

Genes: SNHG14 (small nucleolar RNA host gene 14; plus strand), UBE3A (ubiquitin protein ligase E3A; minus strand). Cytogenetic location: 15q11.2.
Variant type: single nucleotide variant.
Coding change: c.2281-42T>C on transcript NM_130839.5 (MANE Select); 42 bases into the intron before coding-DNA position 2281, T replaced by C.
Molecular consequence: intron variant.
Genome position (GRCh38, 1-based): chr15:25,354,468, A>G on the plus strand (T>C on the coding strand, the complement: UBE3A is on the minus strand). VCF-style: chr15-25354468-A-G. GRCh37 (hg19) VCF-style: chr15-25599615-A-G.
Other names: c.2104-42T>C (NM_001354546.2); c.970-42T>C (NM_001354551.2); c.2056-42T>C (NM_001354549.2); c.2065-42T>C (NM_001354548.2, NM_001354547.2); c.2221-42T>C (NM_130838.4, NM_001354542.2, NM_001354523.2 and 14 more transcripts); c.1030-42T>C (NM_001354550.2); c.2125-42T>C (NM_001354545.2); c.2281-42T>C (NM_001354538.2, NM_001354505.1); and 1 more.
Identifiers: ClinVar variation 156123 (VCV000156123.1), dbSNP rs543571933, ClinGen allele CA333415.